The following is an entry in ClinVar:

ClinVar aggregate classification (germline): Uncertain significance (1 of 4 stars; one submission).

gnomAD v4.1: 4 of 1,614,050 alleles (0.00025%); highest among the groups gnomAD compares: Middle Eastern, 0.05%; no homozygotes.

Submission:

Labcorp Genetics (formerly Invitae), Labcorp
Classification: Uncertain significance. Last evaluated: 2025-03-05. Review status: criteria provided, single submitter. Criteria: Invitae Variant Classification Sherloc (09022015). Collection method: clinical testing. Allele origin: germline.
Comment: This sequence change replaces glycine, which is neutral and non-polar, with alanine, which is neutral and non-polar, at codon 21 of the UGT1A1 protein (p.Gly21Ala). This variant is not present in population databases (gnomAD no frequency). This variant has not been reported in the literature in individuals affected with UGT1A1-related conditions. An algorithm developed to predict the effect of missense changes on protein structure and function (PolyPhen-2) suggests that this variant is likely to be tolerated. In summary, the available evidence is currently insufficient to determine the role of this variant in disease. Therefore, it has been classified as a Variant of Uncertain Significance.

NM_000463.3(UGT1A1):c.62G>C (p.Gly21Ala)

Genes: UGT1A (UDP glucuronosyltransferase family 1 member A complex locus; plus strand), UGT1A1 (UDP glucuronosyltransferase family 1 member A1; plus strand), UGT1A10 (UDP glucuronosyltransferase family 1 member A10; plus strand), UGT1A3 (UDP glucuronosyltransferase family 1 member A3; plus strand), UGT1A4 (UDP glucuronosyltransferase family 1 member A4; plus strand) and 5 more. Cytogenetic location: 2q37.1.
Variant type: single nucleotide variant.
Coding change: c.62G>C on transcript NM_000463.3 (MANE Select); coding-DNA position 62, G replaced by C.
Protein change: p.Gly21Ala; replaces glycine 21 with alanine.
Molecular consequence: missense variant. On other transcripts: intron variant (9).
Genome position (GRCh38, 1-based): chr2:233,760,349, G>C. VCF-style: chr2-233760349-G-C. GRCh37 (hg19) VCF-style: chr2-234668995-G-C.
Other names: c.856-6685G>C (NM_019076.5, NM_019075.4, NM_021027.3 and 1 more transcripts); c.61-6685G>C (NM_205862.3); c.862-6685G>C (NM_001072.4); c.868-6685G>C (NM_019078.2, NM_007120.3, NM_019093.4); short protein forms G21A.
Identifiers: ClinVar variation 4690978 (VCV004690978.1).